The following is an entry in ClinVar:

NM_032447.5(FBN3):c.4211-4del

Gene: FBN3 (fibrillin 3; minus strand). Cytogenetic location: 19p13.2.
Variant type: Deletion.
Coding change: c.4211-4del on transcript NM_032447.5 (MANE Select); 4 bases into the intron before coding-DNA position 4211, one base deleted (G; older notation c.4211-4delG).
Molecular consequence: intron variant.
Genome position (GRCh38, 1-based): chr19:8,110,971, C deleted on the plus strand (G on the coding strand, the reverse complement: FBN3 is on the minus strand). VCF-style (leftmost placement, unchanged base first): chr19-8110970-GC-G. GRCh37 (hg19) VCF-style: chr19-8175854-GC-G.
Other names: c.4211-4del (NM_001321431.2).
Identifiers: ClinVar variation 2834269 (VCV002834269.3), dbSNP rs2512786319, ClinGen allele CA2739276426.
Genomic context (GRCh38, chr19:8,110,970, plus strand): 5'-GGCAGGTTCTCACAGCTCCCAAATGCACAGAGGTTCCCTTGCGCACACTCGTCCACATCT[GC>G]GGGGACCCTGGGTCAGCCTGCCCCACCCAGAGTCTGCAGGGGGGACCTACCCACTCTGTC-3'

ClinVar aggregate classification (germline): Uncertain significance (1 of 4 stars; one submission).

Submission:

Labcorp Genetics (formerly Invitae), Labcorp
Classification: Uncertain significance. Last evaluated: 2023-03-17. Review status: criteria provided, single submitter. Criteria: Invitae Variant Classification Sherloc (09022015). Collection method: clinical testing. Allele origin: germline.
Comment: In summary, the available evidence is currently insufficient to determine the role of this variant in disease. Therefore, it has been classified as a Variant of Uncertain Significance. Algorithms developed to predict the effect of sequence changes on RNA splicing suggest that this variant may disrupt the consensus splice site. This variant has not been reported in the literature in individuals affected with FBN3-related conditions. This variant is not present in population databases (gnomAD no frequency). This sequence change falls in intron 33 of the FBN3 gene. It does not directly change the encoded amino acid sequence of the FBN3 protein.